The following is an entry in ClinVar:

ClinVar aggregate classification (germline): Conflicting classifications of pathogenicity. Review status: criteria provided, conflicting classifications (1 of 4 stars). 6 submissions from 6 submitters: Uncertain significance (1); Benign (1); Likely benign (3). 1 of the submissions does not count toward it. Last evaluated 2026-08-01.

Conditions:
Mitochondrial neurogastrointestinal encephalomyopathy. Also called: Mitochondrial neurogastrointestinal encephalopathy syndrome; MNGIE syndrome; Thymidine phosphorylase deficiency. Identifiers: Orphanet 298, MedGen C0872218, MONDO:0017575.

Allele frequency attached by ClinVar (database versions not stated): 1000 Genomes Project 30x 0.00156; gnomAD 0.00162 and 0.00173; 1000 Genomes Project 0.00140; TOPMed 0.00196; ExAC below 0.00001; gnomAD exomes 0.00003.
gnomAD v4.1: 422 of 1,462,934 alleles (0.029%); highest among the groups gnomAD compares: African/African-American, 0.56%; 1 homozygote.

Submissions (6):

CeGaT Center for Human Genetics Tuebingen
Classification: Likely benign. Last evaluated: 2026-08-01. Review status: criteria provided, single submitter. Criteria: CeGaT Center For Human Genetics Tuebingen Variant Classification Criteria Version 2. Collection method: clinical testing. Allele origin: germline. Affected: yes. Observed: 1 variant allele.
Comment: TYMP: BP4, BP7

Labcorp Genetics (formerly Invitae), Labcorp
Classification: Likely benign. Last evaluated: 2026-02-01. Review status: criteria provided, single submitter. Criteria: Invitae Variant Classification Sherloc (09022015). Collection method: clinical testing. Allele origin: germline.

Blueprint Genetics
Classification: Likely benign. Last evaluated: 2024-11-11. Review status: criteria provided, single submitter. Criteria: ACMG Guidelines, 2015. Collection method: clinical testing. Allele origin: germline.

Eurofins Ntd Llc (ga)
Classification: Uncertain significance. Last evaluated: 2017-02-01. Review status: criteria provided, single submitter. Criteria: EGL Classification Definitions 2015. Collection method: clinical testing. Allele origin: germline. Observed: 1 variant allele, 1 heterozygote.

GeneDx
Classification: Benign. Last evaluated: 2013-05-09. Review status: criteria provided, single submitter. Criteria: GeneDx Variant Classification (06012015). Collection method: clinical testing. Allele origin: germline. Affected: yes.
Comment: This variant is considered likely benign or benign based on one or more of the following criteria: it is a conservative change, it occurs at a poorly conserved position in the protein, it is predicted to be benign by multiple in silico algorithms, and/or has population frequency not consistent with disease.

Natera, Inc.
Classification: Likely benign for Mitochondrial neurogastrointestinal encephalomyopathy. Last evaluated: 2019-10-23. Review status: no assertion criteria provided. Collection method: clinical testing. Allele origin: germline. Not counted in ClinVar's aggregate classification.

NM_001953.5(TYMP):c.1290G>A (p.Arg430=)

Genes: SCO2 (synthesis of cytochrome C oxidase 2; minus strand), TYMP (thymidine phosphorylase; minus strand), LOC130067862 (ATAC-STARR-seq lymphoblastoid silent region 13986; plus strand). Cytogenetic location: 22q13.33.
Variant type: single nucleotide variant.
Coding change: c.1290G>A on transcript NM_001953.5 (MANE Select); coding-DNA position 1290, G replaced by A.
Protein change: p.Arg430=; no amino-acid change (arginine 430 retained).
Molecular consequence: synonymous variant. On other transcripts: 5 prime UTR variant (1), intron variant (1).
Genome position (GRCh38, 1-based): chr22:50,526,011, C>T on the plus strand (G>A on the coding strand, the complement: TYMP is on the minus strand). VCF-style: chr22-50526011-C-T. GRCh37 (hg19) VCF-style: chr22-50964440-C-T.
Other names: p.R430R:AGG>AGA; c.1290G>A, p.Arg430= (NM_001113755.3, NM_001113756.3, NM_001257988.1); c.1305G>A, p.Arg435= (NM_001257989.1); c.-24G>A (NM_001169110.1); c.-14+235G>A (NM_001169109.2).
Identifiers: ClinVar variation 137877 (VCV000137877.18), dbSNP rs570574111, ClinGen allele CA291589.